The following is an entry in ClinVar:

NM_001257096.2(PAX1):c.289C>T (p.Gln97Ter)

Gene: PAX1 (paired box 1; plus strand). Cytogenetic location: 20p11.22.
Variant type: single nucleotide variant.
Coding change: c.289C>T on transcript NM_001257096.2 (MANE Select); coding-DNA position 289, C replaced by T.
Protein change: p.Gln97Ter; replaces glutamine 97 with a stop codon.
Molecular consequence: nonsense.
Genome position (GRCh38, 1-based): chr20:21,706,440, C>T. VCF-style: chr20-21706440-C-T. GRCh37 (hg19) VCF-style: chr20-21687078-C-T.
Other names: c.289C>T, p.Gln97Ter (NM_006192.5); c.289C>T (NM_001257096.1); short protein forms Q97*.
Identifiers: ClinVar variation 4888397 (VCV004888397.1).

ClinVar aggregate classification (germline): Likely pathogenic (1 of 4 stars; one submission).

Conditions:
Otofaciocervical syndrome 2 (OTFCS2). Also called: OTOFACIOCERVICAL SYNDROME 2, WITH T-CELL DEFICIENCY. Identifiers: MedGen C5442121, MONDO:0014254, OMIM 615560.

Submission:

New York Genome Center
Classification: Likely pathogenic for Otofaciocervical syndrome 2. Last evaluated: 2023-05-10. Review status: criteria provided, single submitter. Criteria: NYGC Assertion Criteria 2020. Collection method: clinical testing. Allele origin: de novo. Observed: 1 variant allele, 1 heterozygote.
Comment: The c.289C>T variant in PAX1 has not previously been reported in the literature or public variant repositories (ClinVar and LOVD), and is absent from population databases (gnomAD v2.1.1 and v3.1.2, TOPMed Freeze 8, All of Us), suggesting it is not a common benign variant in the populations represented in those databases. The c.289C>T variant in PAX1 is located in exon 2 of this 5-exon gene, is predicted to incorporate a premature termination codon (p.(Gln97Ter)), and is expected to result in loss-of-function via nonsense mediated decay. Based on available evidence this de novo c.289C>T p.(Gln97Ter) variant identified in PAX1 is classified as Likely Pathogenic.